The following is an entry in ClinVar:

ClinVar aggregate classification (germline): Uncertain significance (1 of 4 stars; one submission).

gnomAD v4.1: 4 of 1,613,580 alleles (0.00025%); highest among the groups gnomAD compares: East Asian, 0.0067%; no homozygotes.

Submission:

GeneDx
Classification: Uncertain significance. Last evaluated: 2024-09-13. Review status: criteria provided, single submitter. Criteria: GeneDx Variant Classification Process June 2021. Collection method: clinical testing. Allele origin: germline. Affected: yes.
Comment: Not observed at significant frequency in large population cohorts (gnomAD); Missense variant in a gene in which most reported pathogenic variants are truncating/loss of function; Has not been previously published as pathogenic or benign to our knowledge

NM_001267550.2(TTN):c.80321C>T (p.Ala26774Val)

Genes: TTN (titin; minus strand), TTN-AS1 (TTN antisense RNA 1; plus strand). Cytogenetic location: 2q31.2.
Variant type: single nucleotide variant.
Coding change: c.80321C>T on transcript NM_001267550.2 (MANE Select); coding-DNA position 80321, C replaced by T.
Protein change: p.Ala26774Val; replaces alanine 26774 with valine.
Molecular consequence: missense variant.
Genome position (GRCh38, 1-based): chr2:178,565,811, G>A on the plus strand (C>T on the coding strand, the complement: TTN is on the minus strand). VCF-style: chr2-178565811-G-A. GRCh37 (hg19) VCF-style: chr2-179430538-G-A.
Other names: c.75398C>T, p.Ala25133Val (NM_001256850.1); c.53126C>T, p.Ala17709Val (NM_003319.4); c.72617C>T, p.Ala24206Val (NM_133378.4); c.53501C>T, p.Ala17834Val (NM_133432.3); c.53702C>T, p.Ala17901Val (NM_133437.4); short protein forms A17709V, A17834V, A17901V, A24206V, A25133V, A26774V.
Identifiers: ClinVar variation 3769859 (VCV003769859.1).
Genomic context (GRCh38, chr2:178,565,811, plus strand): 5'-TGGGACACATCAGTGAGTGTAACCTTTCCTGGTGGGGAAGGAGGTTCAGCAGCTTTCACG[G>A]CATCAACAGTTTCCACTGGAACACCAACTCCAAATTCATTTTCAGCCATGACTCTGAAGT-3'
Protein context (NP_001254479.2, residues 26764-26784): GVGVPVETVD[Ala26774Val]VKAAEPPSPP